The following is an entry in ClinVar:

NM_005228.5(EGFR):c.768C>G (p.Asp256Glu)

Gene: EGFR (epidermal growth factor receptor; plus strand). Cytogenetic location: 7p11.2.
Variant type: single nucleotide variant.
Coding change: c.768C>G on transcript NM_005228.5 (MANE Select); coding-DNA position 768, C replaced by G.
Protein change: p.Asp256Glu; replaces aspartic acid 256 with glutamic acid.
Molecular consequence: missense variant. On other transcripts: intron variant (1).
Genome position (GRCh38, 1-based): chr7:55,154,031, C>G. VCF-style: chr7-55154031-C-G. GRCh37 (hg19) VCF-style: chr7-55221724-C-G.
Other names: c.633C>G, p.Asp211Glu (NM_001346897.2, NM_001346899.2); c.768C>G, p.Asp256Glu (NM_001346898.2, NM_201282.2, NM_201283.2 and 1 more transcripts); c.609C>G, p.Asp203Glu (NM_001346900.2); c.89-1799C>G (NM_001346941.2); short protein forms D203E, D211E, D256E.
Identifiers: ClinVar variation 2096034 (VCV002096034.5), dbSNP rs146098757, ClinGen allele CA367577627.
Genomic context (GRCh38, chr7:55,154,031, plus strand): 5'-ACTTACCTCACTTGCCCAGCGTGTCCTCTCTCCTCCATAGGTCTGCCGCAAATTCCGAGA[C>G]GAAGCCACGTGCAAGGACACCTGCCCCCCACTCATGCTCTACAACCCCACCACGTACCAG-3'
Protein context (NP_005219.2, residues 246-266): SDCLVCRKFR[Asp256Glu]EATCKDTCPP

ClinVar aggregate classification (germline): Uncertain significance. Review status: criteria provided, multiple submitters, no conflicts (2 of 4 stars). 2 submissions from 2 submitters: Uncertain significance (2). Last evaluated 2025-11-11.

Conditions:
EGFR-related lung cancer (EGFR). Identifiers: MedGen CN130014.
Hereditary cancer-predisposing syndrome. Also called: Hereditary neoplastic syndrome; Neoplastic Syndromes, Hereditary; Tumor predisposition; Hereditary Cancer Syndrome. Identifiers: Orphanet 140162, MedGen C0027672, MeSH D009386, MONDO:0015356.

Submissions (2):

Ambry Genetics
Classification: Uncertain significance for Hereditary cancer-predisposing syndrome. Last evaluated: 2025-11-11. Review status: criteria provided, single submitter. Criteria: Ambry Variant Classification Scheme 2023. Collection method: clinical testing. Allele origin: germline.
Comment: The p.D256E variant (also known as c.768C>G), located in coding exon 7 of the EGFR gene, results from a C to G substitution at nucleotide position 768. The aspartic acid at codon 256 is replaced by glutamic acid, an amino acid with highly similar properties. This amino acid position is conserved. In addition, this alteration is predicted to be tolerated by in silico analysis. Based on the available evidence, the clinical significance of this variant remains unclear.

Labcorp Genetics (formerly Invitae), Labcorp
Classification: Uncertain significance for EGFR-related lung cancer. Last evaluated: 2022-02-10. Review status: criteria provided, single submitter. Criteria: Invitae Variant Classification Sherloc (09022015). Collection method: clinical testing. Allele origin: germline.
Comment: This sequence change replaces aspartic acid, which is acidic and polar, with glutamic acid, which is acidic and polar, at codon 256 of the EGFR protein (p.Asp256Glu). Algorithms developed to predict the effect of missense changes on protein structure and function are either unavailable or do not agree on the potential impact of this missense change (SIFT: "Tolerated"; PolyPhen-2: "Probably Damaging"; Align-GVGD: "Class C0"). In summary, the available evidence is currently insufficient to determine the role of this variant in disease. Therefore, it has been classified as a Variant of Uncertain Significance. This variant is not present in population databases (gnomAD no frequency). This variant has not been reported in the literature in individuals affected with EGFR-related conditions.